The following is an entry in ClinVar:

ClinVar aggregate classification (germline): Uncertain significance. Review status: criteria provided, multiple submitters, no conflicts (2 of 4 stars). 5 submissions from 5 submitters: Uncertain significance (4). 1 of the submissions does not count toward it. Last evaluated 2023-10-12.

Conditions:
Glycogen storage disease type III (GSD3). Also called: FORBES DISEASE; Cori disease. Identifiers: Orphanet 366, MedGen C0017922, MONDO:0009291, OMIM 232400.

Allele frequency attached by ClinVar (database versions not stated): ExAC 0.00002; TOPMed 0.00004; ESP Exome Variant Server 0.00015; gnomAD 0.00002; gnomAD exomes 0.00003.
gnomAD v4.1: 49 of 1,611,778 alleles (0.003%); highest among the groups gnomAD compares: Non-Finnish European, 0.0038%; no homozygotes.

Submissions (5):

Blueprint Genetics
Classification: Uncertain significance. Last evaluated: 2023-10-12. Review status: criteria provided, single submitter. Criteria: ACMG Guidelines, 2015. Collection method: clinical testing. Allele origin: germline.

Genome-Nilou Lab
Classification: Uncertain significance for Glycogen storage disease type III. Last evaluated: 2023-04-11. Review status: criteria provided, single submitter. Criteria: ACMG Guidelines, 2015. Collection method: clinical testing. Allele origin: germline. Affected: no.

Women's Health and Genetics/Laboratory Corporation of America, LabCorp
Classification: Uncertain significance. Last evaluated: 2023-04-07. Review status: criteria provided, single submitter. Criteria: LabCorp Variant Classification Summary - May 2015. Collection method: clinical testing. Allele origin: germline.

Labcorp Genetics (formerly Invitae), Labcorp
Classification: Uncertain significance for Glycogen storage disease type III. Last evaluated: 2022-11-01. Review status: criteria provided, single submitter. Criteria: Invitae Variant Classification Sherloc (09022015). Collection method: clinical testing. Allele origin: germline.
Comment: This sequence change falls in intron 28 of the AGL gene. It does not directly change the encoded amino acid sequence of the AGL protein. It affects a nucleotide within the consensus splice site. The frequency data for this variant in the population databases is considered unreliable, as metrics indicate poor data quality at this position in the gnomAD database. This variant has not been reported in the literature in individuals affected with AGL-related conditions. ClinVar contains an entry for this variant (Variation ID: 582067). Variants that disrupt the consensus splice site are a relatively common cause of aberrant splicing (PMID: 17576681, 9536098). Algorithms developed to predict the effect of sequence changes on RNA splicing suggest that this variant is not likely to affect RNA splicing. In summary, the available evidence is currently insufficient to determine the role of this variant in disease. Therefore, it has been classified as a Variant of Uncertain Significance.

Natera, Inc.
Classification: Uncertain significance for Glycogen storage disease type III. Last evaluated: 2019-10-28. Review status: no assertion criteria provided. Collection method: clinical testing. Allele origin: germline. Not counted in ClinVar's aggregate classification.

Literature cited by the submitters: PubMed 17576681 (cited by Labcorp Genetics (formerly Invitae), Labcorp); PubMed 9536098 (cited by Labcorp Genetics (formerly Invitae), Labcorp).

NM_000642.3(AGL):c.3836+3A>G

Gene: AGL (amylo-alpha-1,6-glucosidase and 4-alpha-glucanotransferase; plus strand). Cytogenetic location: 1p21.2.
Variant type: single nucleotide variant.
Coding change: c.3836+3A>G on transcript NM_000642.3 (MANE Select); 3 bases into the intron after coding-DNA position 3836, A replaced by G.
Molecular consequence: intron variant.
Genome position (GRCh38, 1-based): chr1:99,910,850, A>G. VCF-style: chr1-99910850-A-G. GRCh37 (hg19) VCF-style: chr1-100376406-A-G.
Other names: c.3836+3A>G (NM_000643.3, NM_000644.3, NM_001425325.1 and 1 more transcripts); c.3788+3A>G (NM_000646.3); c.3815+3A>G (NM_001425326.1); c.3635+3A>G (NM_001425327.1); c.3632+3A>G (NM_001425328.1); c.3497+3A>G (NM_001425329.1); c.3458+3A>G (NM_001425332.1).
Identifiers: ClinVar variation 582067 (VCV000582067.11), dbSNP rs372921189, ClinGen allele CA967224.
Genomic context (GRCh38, chr1:99,910,850, plus strand): 5'-TGGATAAAATGGGAGAAAGTGACAGAGCTAGAAACAGAGGAATCCCAGCCACACCAAGGT[A>G]GTGTAAATGTTATAATGCTGTGTAATTATACCCTTCTTTAAGAAAGCACTTACTTGTGGA-3'